The following is an entry in ClinVar:

ClinVar aggregate classification (germline): Uncertain significance. Review status: criteria provided, multiple submitters, no conflicts (2 of 4 stars). 3 submissions from 3 submitters: Uncertain significance (3). Last evaluated 2024-12-01.

Conditions:
Agammaglobulinemia 7, autosomal recessive (AGM7). Also called: AGAMMAGLOBULINEMIA, AUTOSOMAL RECESSIVE, DUE TO PIK3R1 DEFECT. Identifiers: MedGen C3554689, MONDO:0014083, OMIM 615214.
SHORT syndrome. Also called: LIPODYSTROPHY, PARTIAL, WITH RIEGER ANOMALY AND SHORT STATURE; PIK3R1-Related SHORT Syndrome; SHORT STATURE, HYPEREXTENSIBILITY, HERNIA, OCULAR DEPRESSION, RIEGER ANOMALY, AND TEETHING DELAY. Identifiers: Orphanet 3163, MedGen C0878684, MONDO:0010026, OMIM 269880.
Immunodeficiency 36 with lymphoproliferation. Also called: Immunodeficiency 36; ACTIVATED PI3K-DELTA SYNDROME 2; Activated PI3K Delta Syndrome Type 2 (APDS2). Identifiers: Orphanet 397596, Orphanet 693681, MedGen C4014934, MONDO:0014453, OMIM 616005.

Allele frequency attached by ClinVar (database versions not stated): ExAC 0.00001; gnomAD exomes 0.00002; gnomAD 0.00003 and 0.00004; TOPMed 0.00005; ESP Exome Variant Server 0.00008.
gnomAD v4.1: 44 of 1,613,884 alleles (0.0027%); highest among the groups gnomAD compares: Non-Finnish European, 0.0035%; no homozygotes.

Submissions (3):

CeGaT Center for Human Genetics Tuebingen
Classification: Uncertain significance. Last evaluated: 2024-12-01. Review status: criteria provided, single submitter. Criteria: CeGaT Center For Human Genetics Tuebingen Variant Classification Criteria Version 2. Collection method: clinical testing. Allele origin: germline. Affected: yes. Observed: 1 variant allele.
Comment: PIK3R1: PM2:Supporting, BP4

Labcorp Genetics (formerly Invitae), Labcorp
Classification: Uncertain significance for SHORT syndrome; Immunodeficiency 36 with lymphoproliferation; Agammaglobulinemia 7, autosomal recessive. Last evaluated: 2021-03-27. Review status: criteria provided, single submitter. Criteria: Invitae Variant Classification Sherloc (09022015). Collection method: clinical testing. Allele origin: germline.
Comment: This sequence change replaces proline with threonine at codon 116 of the PIK3R1 protein (p.Pro116Thr). The proline residue is highly conserved and there is a small physicochemical difference between proline and threonine. This variant is present in population databases (rs367923318, ExAC 0.001%). This variant has not been reported in the literature in individuals with PIK3R1-related conditions. Algorithms developed to predict the effect of missense changes on protein structure and function are either unavailable or do not agree on the potential impact of this missense change (SIFT: "Deleterious"; PolyPhen-2: "Benign"; Align-GVGD: "Class C0"). In summary, the available evidence is currently insufficient to determine the role of this variant in disease. Therefore, it has been classified as a Variant of Uncertain Significance.

Mayo Clinic Laboratories, Mayo Clinic
Classification: Uncertain significance. Last evaluated: 2020-02-04. Review status: criteria provided, single submitter. Criteria: ACMG Guidelines, 2015. Collection method: clinical testing. Allele origin: germline. Observed: 1 variant allele.

NM_181523.3(PIK3R1):c.346C>A (p.Pro116Thr)

Gene: PIK3R1 (phosphoinositide-3-kinase regulatory subunit 1; plus strand). Cytogenetic location: 5q13.1.
Variant type: single nucleotide variant.
Coding change: c.346C>A on transcript NM_181523.3 (MANE Select); coding-DNA position 346, C replaced by A.
Protein change: p.Pro116Thr; replaces proline 116 with threonine.
Molecular consequence: missense variant.
Genome position (GRCh38, 1-based): chr5:68,273,401, C>A. VCF-style: chr5-68273401-C-A. GRCh37 (hg19) VCF-style: chr5-67569229-C-A.
Other names: short protein forms P116T.
Identifiers: ClinVar variation 1162973 (VCV001162973.24), dbSNP rs367923318, ClinGen allele CA3289998.